The following is an entry in ClinVar:

NM_006662.3(SRCAP):c.6533A>G (p.Lys2178Arg)

Gene: SRCAP (Snf2 related CREBBP activator protein; plus strand). Cytogenetic location: 16p11.2.
Variant type: single nucleotide variant.
Coding change: c.6533A>G on transcript NM_006662.3 (MANE Select); coding-DNA position 6533, A replaced by G.
Protein change: p.Lys2178Arg; replaces lysine 2178 with arginine.
Molecular consequence: missense variant.
Genome position (GRCh38, 1-based): chr16:30,733,932, A>G. VCF-style: chr16-30733932-A-G. GRCh37 (hg19) VCF-style: chr16-30745253-A-G.
Other names: short protein forms K2178R.
Identifiers: ClinVar variation 3361625 (VCV003361625.1).

ClinVar aggregate classification (germline): Uncertain significance (1 of 4 stars; one submission).

Submission:

GeneDx
Classification: Uncertain significance. Last evaluated: 2023-07-26. Review status: criteria provided, single submitter. Criteria: GeneDx Variant Classification Process June 2021. Collection method: clinical testing. Allele origin: germline. Affected: yes.
Comment: Not observed at significant frequency in large population cohorts (gnomAD); In silico analysis supports that this missense variant has a deleterious effect on protein structure/function; Has not been previously published as pathogenic or benign to our knowledge